The following is an entry in ClinVar:

ClinVar aggregate classification (germline): Likely benign. Review status: criteria provided, single submitter (1 of 4 stars). 2 submissions from 2 submitters: Likely benign (1). 1 of the submissions does not count toward it. Last evaluated 2024-03-19.

Conditions:
PCNT-related disorder. Also called: PCNT-related condition.

Allele frequency attached by ClinVar (database versions not stated): TOPMed 0.00003; gnomAD exomes 0.00004; ExAC 0.00005; gnomAD 0.00005; ESP Exome Variant Server 0.00015; 1000 Genomes Project 0.00020; 1000 Genomes Project 30x 0.00062.
gnomAD v4.1: 63 of 1,613,586 alleles (0.0039%); highest among the groups gnomAD compares: African/African-American, 0.012%; no homozygotes.

Submissions (2):

Labcorp Genetics (formerly Invitae), Labcorp
Classification: Likely benign. Last evaluated: 2024-03-19. Review status: criteria provided, single submitter. Criteria: Invitae Variant Classification Sherloc (09022015). Collection method: clinical testing. Allele origin: germline.

PreventionGenetics, part of Exact Sciences
Classification: Likely benign for PCNT-related condition. Last evaluated: 2024-09-18. Review status: no assertion criteria provided. Collection method: clinical testing. Allele origin: germline. Not counted in ClinVar's aggregate classification.
Comment: This variant is classified as likely benign based on ACMG/AMP sequence variant interpretation guidelines (Richards et al. 2015 PMID: 25741868, with internal and published modifications).

NM_006031.6(PCNT):c.2757C>T (p.Leu919=)

Gene: PCNT (pericentrin; plus strand). Cytogenetic location: 21q22.3.
Variant type: single nucleotide variant.
Coding change: c.2757C>T on transcript NM_006031.6 (MANE Select); coding-DNA position 2757, C replaced by T.
Protein change: p.Leu919=; no amino-acid change (leucine 919 retained).
Molecular consequence: synonymous variant.
Genome position (GRCh38, 1-based): chr21:46,366,731, C>T. VCF-style: chr21-46366731-C-T. GRCh37 (hg19) VCF-style: chr21-47786646-C-T.
Other names: c.2757C>T (NM_006031.5); c.2403C>T, p.Leu801= (NM_001315529.2).
Identifiers: ClinVar variation 2904441 (VCV002904441.4), dbSNP rs201430008, ClinGen allele CA10079087.